The following is an entry in ClinVar:

ClinVar aggregate classification (germline): Pathogenic. Review status: criteria provided, multiple submitters, no conflicts (2 of 4 stars). 3 submissions from 3 submitters: Pathogenic (3). Last evaluated 2026-01-07.

Conditions:
Familial cancer of breast. Also called: hereditary breast carcinoma; BREAST CANCER, FAMILIAL; Hereditary breast cancer. Identifiers: Orphanet 227535, MedGen C0346153, MONDO:0016419, OMIM 114480. Disease mechanism: loss of function.
Hereditary cancer-predisposing syndrome. Also called: Neoplastic Syndromes, Hereditary; Hereditary Cancer Syndrome; Hereditary neoplastic syndrome; Tumor predisposition. Identifiers: Orphanet 140162, MedGen C0027672, MeSH D009386, MONDO:0015356.
Fanconi anemia complementation group J. Also called: BRIP1-Related Fanconi Anemia. Identifiers: Orphanet 84, MedGen C1836860, MONDO:0012187, OMIM 609054.

Submissions (3):

Labcorp Genetics (formerly Invitae), Labcorp
Classification: Pathogenic for Familial cancer of breast; Fanconi anemia complementation group J. Last evaluated: 2026-01-07. Review status: criteria provided, single submitter. Criteria: Invitae Variant Classification Sherloc (09022015). Collection method: clinical testing. Allele origin: germline.
Comment: This sequence change creates a premature translational stop signal (p.Asn541Ilefs*49) in the BRIP1 gene. It is expected to result in an absent or disrupted protein product. Loss-of-function variants in BRIP1 are known to be pathogenic (PMID: 16116423, 17033622, 21964575). This variant is not present in population databases (gnomAD no frequency). This variant has not been reported in the literature in individuals affected with BRIP1-related conditions. ClinVar contains an entry for this variant (Variation ID: 640009). For these reasons, this variant has been classified as Pathogenic.

Ambry Genetics
Classification: Pathogenic for Hereditary cancer-predisposing syndrome. Last evaluated: 2023-06-27. Review status: criteria provided, single submitter. Criteria: Ambry Variant Classification Scheme 2023. Collection method: clinical testing. Allele origin: germline.
Comment: The c.1622delA variant, located in coding exon 10 of the BRIP1 gene, results from a deletion of one nucleotide at nucleotide position 1622, causing a translational frameshift with a predicted alternate stop codon (p.N541Ifs*49). This variant is considered to be rare based on population cohorts in the Genome Aggregation Database (gnomAD). This alteration is expected to result in loss of function by premature protein truncation or nonsense-mediated mRNA decay. As such, this alteration is interpreted as a disease-causing mutation.

Myriad Genetics, Inc.
Classification: Pathogenic for Familial cancer of breast. Last evaluated: 2023-06-02. Review status: criteria provided, single submitter. Criteria: Myriad Autosomal Dominant, Autosomal Recessive and X-Linked Classification Criteria (2023). Collection method: clinical testing. Allele origin: unknown.
Comment: This variant is considered pathogenic. This variant creates a frameshift predicted to result in premature protein truncation.

Literature cited by the submitters: PubMed 16116423 (cited by Labcorp Genetics (formerly Invitae), Labcorp); PubMed 17033622 (cited by Labcorp Genetics (formerly Invitae), Labcorp); PubMed 21964575 (cited by Labcorp Genetics (formerly Invitae), Labcorp).

NM_032043.3(BRIP1):c.1622del (p.Asn541fs)

Gene: BRIP1 (BRCA1 interacting DNA helicase 1; minus strand). Cytogenetic location: 17q23.2.
Variant type: Deletion.
Coding change: c.1622del on transcript NM_032043.3 (MANE Select); coding-DNA position 1622, one base deleted (A; older notation c.1622delA).
Protein change: p.Asn541fs; shifts the reading frame from asparagine 541.
Molecular consequence: frameshift variant.
Genome position (GRCh38, 1-based): chr17:61,784,276, T deleted on the plus strand (A on the coding strand, the reverse complement: BRIP1 is on the minus strand); the first of 4 consecutive T bases (chr17:61,784,276-61,784,279); deleting any one gives the same sequence. VCF-style (leftmost placement, unchanged base first): chr17-61784275-AT-A. GRCh37 (hg19) VCF-style: chr17-59861636-AT-A.
Other names: c.1622delA (NM_032043.2); short protein forms N541fs.
Identifiers: ClinVar variation 640009 (VCV000640009.10), dbSNP rs1603336895, ClinGen allele CA915950708.